The following is an entry in ClinVar:

ClinVar aggregate classification (germline): Conflicting classifications of pathogenicity. Review status: criteria provided, conflicting classifications (1 of 4 stars). 2 submissions from 2 submitters: Likely pathogenic (1); Uncertain significance (1). Last evaluated 2024-08-12.

Conditions:
Hereditary cancer-predisposing syndrome. Also called: Neoplastic Syndromes, Hereditary; Tumor predisposition; Hereditary neoplastic syndrome; Hereditary Cancer Syndrome. Identifiers: Orphanet 140162, MedGen C0027672, MeSH D009386, MONDO:0015356.

Submissions (2):

Quest Diagnostics Nichols Institute San Juan Capistrano
Classification: Likely pathogenic. Last evaluated: 2024-08-12. Review status: criteria provided, single submitter. Criteria: Quest Diagnostics criteria. Collection method: clinical testing. Allele origin: unknown.
Comment: The TSC2 c.1091T>G (p.Ile364Ser) variant has not been reported in individuals with TSC2-related conditions in the published literature. It also has not been reported in large, multi-ethnic general populations (Genome Aggregation Database). Analysis of this variant using bioinformatics tools for the prediction of the effect of amino acid changes on protein structure and function yielded predictions that this variant is damaging. Based on the available information, this variant is classified as likely pathogenic.

Ambry Genetics
Classification: Uncertain significance for Hereditary cancer-predisposing syndrome. Last evaluated: 2023-11-02. Review status: criteria provided, single submitter. Criteria: Ambry Variant Classification Scheme 2023. Collection method: clinical testing. Allele origin: germline.
Comment: The p.I364S variant (also known as c.1091T>G), located in coding exon 10 of the TSC2 gene, results from a T to G substitution at nucleotide position 1091. The isoleucine at codon 364 is replaced by serine, an amino acid with dissimilar properties. This amino acid position is conserved. In addition, this alteration is predicted to be deleterious by in silico analysis. Since supporting evidence is limited at this time, the clinical significance of this alteration remains unclear.

NM_000548.5(TSC2):c.1091T>G (p.Ile364Ser)

Gene: TSC2 (TSC complex subunit 2; plus strand). Cytogenetic location: 16p13.3.
Variant type: single nucleotide variant.
Coding change: c.1091T>G on transcript NM_000548.5 (MANE Select); coding-DNA position 1091, T replaced by G.
Protein change: p.Ile364Ser; replaces isoleucine 364 with serine.
Molecular consequence: missense variant. On other transcripts: 5 prime UTR variant (10), non-coding transcript variant (5).
Genome position (GRCh38, 1-based): chr16:2,060,785, T>G. VCF-style: chr16-2060785-T-G. GRCh37 (hg19) VCF-style: chr16-2110786-T-G.
Other names: c.1091T>G, p.Ile364Ser (NM_001114382.3, NM_001363528.2, NM_001370404.1 and 6 more transcripts); c.980T>G, p.Ile327Ser (NM_001318827.2, NM_001406670.1, NM_001406678.1); c.944T>G, p.Ile315Ser (NM_001318829.2, NM_001406675.1, NM_001406676.1 and 1 more transcripts); c.491T>G, p.Ile164Ser (NM_001318831.2, NM_001406680.1, NM_001406682.1 and 6 more transcripts); c.1124T>G, p.Ile375Ser (NM_001318832.2); c.1181T>G, p.Ile394Ser (NM_001406667.1, NM_001406668.1); c.1079T>G, p.Ile360Ser (NM_001406671.1, NM_001406673.1); c.1034T>G, p.Ile345Ser (NM_001406677.1); and 4 more; short protein forms I164S, I210S, I315S, I327S, I345S, I360S, I364S, I375S.
Identifiers: ClinVar variation 3232071 (VCV003232071.2), dbSNP rs2151138290, ClinGen allele CA394318188.